The following is an entry in ClinVar:

NM_002139.4(RBMX):c.1068G>T (p.Gly356=)

Genes: RBMX (RNA binding motif protein X-linked; minus strand), LOC126863330 (MED14-independent group 3 enhancer GRCh37_chrX:135956167-135957366; plus strand). Cytogenetic location: Xq26.3.
Variant type: single nucleotide variant.
Coding change: c.1068G>T on transcript NM_002139.4 (MANE Select); coding-DNA position 1068, G replaced by T.
Protein change: p.Gly356=; no amino-acid change (glycine 356 retained).
Molecular consequence: synonymous variant. On other transcripts: non-coding transcript variant (2), intron variant (1).
Genome position (GRCh38, 1-based): chrX:136,874,250, C>A on the plus strand (G>T on the coding strand, the complement: RBMX is on the minus strand). VCF-style: chrX-136874250-C-A. GRCh37 (hg19) VCF-style: chrX-135956409-C-A.
Other names: c.540+836G>T (NM_001164803.2).
Identifiers: ClinVar variation 3234719 (VCV003234719.20), dbSNP rs2522753174, ClinGen allele CA518856664.

ClinVar aggregate classification (germline): Likely benign (1 of 4 stars; one submission).

Submission:

CeGaT Center for Human Genetics Tuebingen
Classification: Likely benign. Last evaluated: 2024-04-01. Review status: criteria provided, single submitter. Criteria: CeGaT Center For Human Genetics Tuebingen Variant Classification Criteria Version 2. Collection method: clinical testing. Allele origin: germline. Affected: yes. Observed: 1 variant allele.
Comment: RBMX: PM2:Supporting, BP4, BP7